The following is an entry in ClinVar:

NM_025103.4(IFT74):c.128C>G (p.Pro43Arg)

Gene: IFT74 (intraflagellar transport 74; plus strand). Cytogenetic location: 9p21.2.
Variant type: single nucleotide variant.
Coding change: c.128C>G on transcript NM_025103.4 (MANE Select); coding-DNA position 128, C replaced by G.
Protein change: p.Pro43Arg; replaces proline 43 with arginine.
Molecular consequence: missense variant.
Genome position (GRCh38, 1-based): chr9:26,978,135, C>G. VCF-style: chr9-26978135-C-G. GRCh37 (hg19) VCF-style: chr9-26978133-C-G.
Other names: c.128C>G, p.Pro43Arg (NM_001099222.3, NM_001099223.3, NM_001099224.3 and 1 more transcripts); short protein forms P43R.
Identifiers: ClinVar variation 4993779 (VCV004993779.1).

ClinVar aggregate classification (germline): Uncertain significance (1 of 4 stars; one submission).

Conditions:
IFT74-related disorder. Also called: IFT74-related condition; IFT74-Related Disorders.

gnomAD v4.1: 2 of 1,593,348 alleles (0.00013%); highest among the groups gnomAD compares: Non-Finnish European, 0.00017%; no homozygotes.

Submission:

PreventionGenetics, part of Exact Sciences
Classification: Uncertain significance for IFT74-related condition. Last evaluated: 2025-11-14. Review status: criteria provided, single submitter. Criteria: ACMG Guidelines, 2015. Collection method: clinical testing. Allele origin: germline.
Comment: The IFT74 c.128C>G variant is predicted to result in the amino acid substitution p.Pro43Arg. To our knowledge, this variant has not been reported in the literature or in a large population database (gnomAD), indicating this variant is rare. At this time, the clinical significance of this variant is uncertain due to the absence of conclusive functional and genetic evidence.